The following is an entry in ClinVar:

ClinVar aggregate classification (germline): Benign (1 of 4 stars; one submission).

Submission:

CeGaT Center for Human Genetics Tuebingen
Classification: Benign. Last evaluated: 2022-05-01. Review status: criteria provided, single submitter. Criteria: CeGaT Center For Human Genetics Tuebingen Variant Classification Criteria Version 2. Collection method: clinical testing. Allele origin: germline. Affected: yes. Observed: 1 variant allele.
Comment: CSMD1: BS1, BS2

NM_033225.6(CSMD1):c.7856-3370T>C

Genes: CSMD1 (CUB and Sushi multiple domains 1; minus strand), LOC105377785 (uncharacterized LOC105377785; plus strand). Cytogenetic location: 8p23.2.
Variant type: single nucleotide variant.
Coding change: c.7856-3370T>C on transcript NM_033225.6 (MANE Select); 3370 bases into the intron before coding-DNA position 7856, T replaced by C.
Molecular consequence: intron variant. On other transcripts: non-coding transcript variant (5).
Genome position (GRCh38, 1-based): chr8:3,022,020, A>G on the plus strand (T>C on the coding strand, the complement: CSMD1 is on the minus strand). VCF-style: chr8-3022020-A-G. GRCh37 (hg19) VCF-style: chr8-2879542-A-G.
Identifiers: ClinVar variation 2658322 (VCV002658322.24), dbSNP rs906600106, ClinGen allele CA170627098.